The following is an entry in ClinVar:

ClinVar aggregate classification (germline): Conflicting classifications of pathogenicity. Review status: criteria provided, conflicting classifications (1 of 4 stars). 3 submissions from 3 submitters: Uncertain significance (2); Likely benign (1). Last evaluated 2026-02-13.

Allele frequency attached by ClinVar (database versions not stated): gnomAD exomes 0.00004 and 0.00005; TOPMed 0.00012; gnomAD 0.00011 and 0.00013; ExAC 0.00004; ESP Exome Variant Server 0.00016.
gnomAD v4.1: 76 of 1,613,540 alleles (0.0047%); highest among the groups gnomAD compares: Admixed American, 0.018%; no homozygotes.

Submissions (3):

GeneDx
Classification: Uncertain significance. Last evaluated: 2026-02-13. Review status: criteria provided, single submitter. Criteria: GeneDx Variant Classification Process June 2021. Collection method: clinical testing. Allele origin: germline.
Comment: Reported in a cohort of individuals with blindness, but patient-specific clinical information was not provided (PMID: 32483926); In silico analysis suggests that this missense variant does not alter protein structure/function; This variant is associated with the following publications: (PMID: 32483926)

Labcorp Genetics (formerly Invitae), Labcorp
Classification: Likely benign. Last evaluated: 2025-11-22. Review status: criteria provided, single submitter. Criteria: Invitae Variant Classification Sherloc (09022015). Collection method: clinical testing. Allele origin: germline.

Blueprint Genetics
Classification: Uncertain significance. Last evaluated: 2023-11-27. Review status: criteria provided, single submitter. Criteria: ACMG Guidelines, 2015. Collection method: clinical testing. Allele origin: germline.

NM_032119.4(ADGRV1):c.11266A>G (p.Ile3756Val)

Gene: ADGRV1 (adhesion G protein-coupled receptor V1; plus strand). Cytogenetic location: 5q14.3.
Variant type: single nucleotide variant.
Coding change: c.11266A>G on transcript NM_032119.4 (MANE Select); coding-DNA position 11266, A replaced by G.
Protein change: p.Ile3756Val; replaces isoleucine 3756 with valine.
Molecular consequence: missense variant. On other transcripts: non-coding transcript variant (1).
Genome position (GRCh38, 1-based): chr5:90,753,718, A>G. VCF-style: chr5-90753718-A-G. GRCh37 (hg19) VCF-style: chr5-90049535-A-G.
Other names: short protein forms I3756V.
Identifiers: ClinVar variation 969955 (VCV000969955.11), dbSNP rs369990572, ClinGen allele CA3340933.